The following is an entry in ClinVar:

ClinVar aggregate classification (germline): Conflicting classifications of pathogenicity. Review status: criteria provided, conflicting classifications (1 of 4 stars). 6 submissions from 6 submitters: Uncertain significance (4); Likely benign (2). Last evaluated 2026-06-11.

Conditions:
Inborn genetic diseases. Identifiers: MedGen C0950123, MeSH D030342.
PCNT-related disorder. Also called: PCNT-related condition.

Allele frequency attached by ClinVar (database versions not stated): gnomAD exomes 0.00004; gnomAD 0.00009 and 0.00010; TOPMed 0.00009; ExAC 0.00010; ESP Exome Variant Server 0.00015; 1000 Genomes Project 30x 0.00062; 1000 Genomes Project 0.00080.
gnomAD v4.1: 90 of 1,614,098 alleles (0.0056%); highest among the groups gnomAD compares: Middle Eastern, 0.2%; 2 homozygotes.

Submissions (6):

PreventionGenetics, part of Exact Sciences
Classification: Uncertain significance for PCNT-related condition. Last evaluated: 2026-06-11. Review status: criteria provided, single submitter. Criteria: ACMG Guidelines, 2015. Collection method: clinical testing. Allele origin: germline.
Comment: The PCNT c.7300C>A variant is predicted to result in the amino acid substitution p.Leu2434Ile. To our knowledge, this variant has not been reported in the literature. This variant is reported in 0.024% of alleles in individuals of African descent in gnomAD. At this time, the clinical significance of this variant is uncertain due to the absence of conclusive functional and genetic evidence.

Labcorp Genetics (formerly Invitae), Labcorp
Classification: Uncertain significance. Last evaluated: 2025-07-09. Review status: criteria provided, single submitter. Criteria: Invitae Variant Classification Sherloc (09022015). Collection method: clinical testing. Allele origin: germline.
Comment: This sequence change replaces leucine, which is neutral and non-polar, with isoleucine, which is neutral and non-polar, at codon 2434 of the PCNT protein (p.Leu2434Ile). This variant is present in population databases (rs112633352, gnomAD 0.02%). This variant has not been reported in the literature in individuals affected with PCNT-related conditions. ClinVar contains an entry for this variant (Variation ID: 284215). An algorithm developed to predict the effect of missense changes on protein structure and function (PolyPhen-2) suggests that this variant is likely to be tolerated. In summary, the available evidence is currently insufficient to determine the role of this variant in disease. Therefore, it has been classified as a Variant of Uncertain Significance.

Blueprint Genetics
Classification: Likely benign. Last evaluated: 2024-08-09. Review status: criteria provided, single submitter. Criteria: ACMG Guidelines, 2015. Collection method: clinical testing. Allele origin: germline.

Ambry Genetics
Classification: Uncertain significance for Inborn genetic diseases. Last evaluated: 2021-08-30. Review status: criteria provided, single submitter. Criteria: Ambry Variant Classification Scheme 2023. Collection method: clinical testing. Allele origin: germline.

Genetic Services Laboratory, University of Chicago
Classification: Uncertain significance. Last evaluated: 2016-08-08. Review status: criteria provided, single submitter. Criteria: ACMG Guidelines, 2015. Collection method: clinical testing. Allele origin: germline. Affected: no.

Eurofins Ntd Llc (ga)
Classification: Likely benign. Last evaluated: 2015-10-30. Review status: criteria provided, single submitter. Criteria: EGL Classification Definitions 2015. Collection method: clinical testing. Allele origin: germline. Observed: 1 variant allele, 1 heterozygote.

NM_006031.6(PCNT):c.7300C>A (p.Leu2434Ile)

Gene: PCNT (pericentrin; plus strand). Cytogenetic location: 21q22.3.
Variant type: single nucleotide variant.
Coding change: c.7300C>A on transcript NM_006031.6 (MANE Select); coding-DNA position 7300, C replaced by A.
Protein change: p.Leu2434Ile; replaces leucine 2434 with isoleucine.
Molecular consequence: missense variant.
Genome position (GRCh38, 1-based): chr21:46,425,951, C>A. VCF-style: chr21-46425951-C-A. GRCh37 (hg19) VCF-style: chr21-47845865-C-A.
Other names: c.6946C>A, p.Leu2316Ile (NM_001315529.2); short protein forms L2434I, L2316I.
Identifiers: ClinVar variation 284215 (VCV000284215.19), dbSNP rs112633352, ClinGen allele CA10080601.
Genomic context (GRCh38, chr21:46,425,951, plus strand): 5'-GCACCCCCAAGCGGCGAGCCACACCCACCCCGGAAGGAAGACGAGATACAGGACATCTCG[C>A]TCCATGGGGGAAAGACGCAGGTTTATTTTGCCCTTCACACACTTCTTTTCCAAAGGATTT-3'
Protein context (NP_006022.3, residues 2424-2444): RKEDEIQDIS[Leu2434Ile]HGGKTQEVPT